The following is an entry in ClinVar:

NM_032119.4(ADGRV1):c.1736_1745dup (p.Asp582delinsGluGluLysTer)

Gene: ADGRV1 (adhesion G protein-coupled receptor V1; plus strand). Cytogenetic location: 5q14.3.
Variant type: Duplication.
Coding change: c.1736_1745dup on transcript NM_032119.4 (MANE Select); coding-DNA positions 1736 to 1745, 10 bases duplicated (GGAGAAATGA; older notation c.1736_1745dupGGAGAAATGA).
Protein change: p.Asp582delinsGluGluLysTer.
Molecular consequence: nonsense. On other transcripts: non-coding transcript variant (1).
Genome position (GRCh38, 1-based): chr5:90,629,436-90,629,445, GGAGAAATGA duplicated; duplicating any 10 consecutive bases within chr5:90,629,435-90,629,445 gives the same sequence; the c. name uses the placement nearest the transcript's 3' end. VCF-style (leftmost placement, unchanged base first): chr5-90629434-A-AAGGAGAAATG. GRCh37 (hg19) VCF-style: chr5-89925251-A-AAGGAGAAATG.
Identifiers: ClinVar variation 1451611 (VCV001451611.6), dbSNP rs2149383774, ClinGen allele CA2573139982.

ClinVar aggregate classification (germline): Pathogenic (1 of 4 stars; one submission).

Submission:

Labcorp Genetics (formerly Invitae), Labcorp
Classification: Pathogenic. Last evaluated: 2023-07-17. Review status: criteria provided, single submitter. Criteria: Invitae Variant Classification Sherloc (09022015). Collection method: clinical testing. Allele origin: germline.
Comment: ClinVar contains an entry for this variant (Variation ID: 1451611). This variant has not been reported in the literature in individuals affected with ADGRV1-related conditions. This variant is not present in population databases (gnomAD no frequency). This sequence change creates a premature translational stop signal (p.Asp582Glufs*4) in the ADGRV1 gene. It is expected to result in an absent or disrupted protein product. Loss-of-function variants in ADGRV1 are known to be pathogenic (PMID: 19357117, 22135276, 22147658, 26226137, 30718709, 31047384, 32467589). For these reasons, this variant has been classified as Pathogenic.

Literature cited by the submitters: PubMed 19357117; PubMed 22135276; PubMed 22147658; PubMed 26226137; PubMed 30718709; PubMed 31047384; PubMed 32467589.